The following is an entry in ClinVar:

NM_001395002.1(MAP4K4):c.2539T>C (p.Ser847Pro)

Genes: MAP4K4 (mitogen-activated protein kinase kinase kinase kinase 4; plus strand), LOC122817718 (Sharpr-MPRA regulatory region 3767; plus strand). Cytogenetic location: 2q11.2.
Variant type: single nucleotide variant.
Coding change: c.2539T>C on transcript NM_001395002.1 (MANE Select); coding-DNA position 2539, T replaced by C.
Protein change: p.Ser847Pro; replaces serine 847 with proline.
Molecular consequence: missense variant. On other transcripts: non-coding transcript variant (4).
Genome position (GRCh38, 1-based): chr2:101,869,697, T>C. VCF-style: chr2-101869697-T-C. GRCh37 (hg19) VCF-style: chr2-102486159-T-C.
Other names: c.2296T>C, p.Ser766Pro (NM_001242559.2); c.2284T>C, p.Ser762Pro (NM_001242560.2); c.2374T>C, p.Ser792Pro (NM_001384476.1); c.2371T>C, p.Ser791Pro (NM_001384477.1, NM_001384508.1); c.2053T>C, p.Ser685Pro (NM_001384478.1, NM_001384495.1); c.2299T>C, p.Ser767Pro (NM_001384481.1); c.2044T>C, p.Ser682Pro (NM_001384482.1); c.2134T>C, p.Ser712Pro (NM_001384483.1); and 31 more; short protein forms S676P, S682P, S712P, S730P, S739P, S753P, S759P, S762P.
Identifiers: ClinVar variation 3781137 (VCV003781137.1).

ClinVar aggregate classification (germline): Uncertain significance (1 of 4 stars; one submission).

Submission:

GeneDx
Classification: Uncertain significance. Last evaluated: 2024-10-15. Review status: criteria provided, single submitter. Criteria: GeneDx Variant Classification Process June 2021. Collection method: clinical testing. Allele origin: germline. Affected: yes.
Comment: Not observed at significant frequency in large population cohorts (gnomAD); In silico analysis supports that this missense variant has a deleterious effect on protein structure/function; Has not been previously published as pathogenic or benign to our knowledge